The following is an entry in ClinVar:

NM_001134659.1(PRR23A):c.502C>T (p.Gln168Ter)

Gene: PRR23A (proline rich 23A; minus strand). Cytogenetic location: 3q23.
Variant type: single nucleotide variant.
Coding change: c.502C>T on transcript NM_001134659.1 (MANE Select); coding-DNA position 502, C replaced by T.
Protein change: p.Gln168Ter; replaces glutamine 168 with a stop codon.
Molecular consequence: nonsense.
Genome position (GRCh38, 1-based): chr3:139,005,767, G>A on the plus strand (C>T on the coding strand, the complement: PRR23A is on the minus strand). VCF-style: chr3-139005767-G-A. GRCh37 (hg19) VCF-style: chr3-138724609-G-A.
Other names: short protein forms Q168*.
Identifiers: ClinVar variation 4848552 (VCV004848552.1).

ClinVar aggregate classification (germline): Uncertain significance (1 of 4 stars; one submission).

Submission:

Women's Health and Genetics/Laboratory Corporation of America, LabCorp
Classification: Uncertain significance. Last evaluated: 2026-04-29. Review status: criteria provided, single submitter. Criteria: LabCorp Variant Classification Summary - May 2015. Collection method: clinical testing. Allele origin: germline.
Comment: Variant summary: PRR23A c.502C>T (p.Gln168X) results in a premature termination codon, predicted to cause a truncation of the encoded protein, however current evidence is not sufficient to establish loss of function as a mechanism for disease. The variant was absent in 248570 control chromosomes. The available data on variant occurrences in the general population are insufficient to allow any conclusion about variant significance. To our knowledge, no occurrence of c.502C>T in individuals affected with PRR23A-related conditions and no experimental evidence demonstrating its impact on protein function have been reported. No submitters have cited clinical-significance assessments for this variant to ClinVar. Based on the evidence outlined above, the variant was classified as uncertain significance.